The following is an entry in ClinVar:

NM_001267550.2(TTN):c.88893T>C (p.Phe29631=)

Genes: TTN (titin; minus strand), TTN-AS1 (TTN antisense RNA 1; plus strand). Cytogenetic location: 2q31.2.
Variant type: single nucleotide variant.
Coding change: c.88893T>C on transcript NM_001267550.2 (MANE Select); coding-DNA position 88893, T replaced by C.
Protein change: p.Phe29631=; no amino-acid change (phenylalanine 29631 retained).
Molecular consequence: synonymous variant.
Genome position (GRCh38, 1-based): chr2:178,554,454, A>G on the plus strand (T>C on the coding strand, the complement: TTN is on the minus strand). VCF-style: chr2-178554454-A-G. GRCh37 (hg19) VCF-style: chr2-179419181-A-G.
Other names: c.83970T>C, p.Phe27990= (NM_001256850.1); c.61698T>C, p.Phe20566= (NM_003319.4); c.81189T>C, p.Phe27063= (NM_133378.4); c.62073T>C, p.Phe20691= (NM_133432.3); c.62274T>C, p.Phe20758= (NM_133437.4).
Identifiers: ClinVar variation 3898535 (VCV003898535.7).

ClinVar aggregate classification (germline): Likely benign (1 of 4 stars; one submission).

Submission:

CeGaT Center for Human Genetics Tuebingen
Classification: Likely benign. Last evaluated: 2025-04-01. Review status: criteria provided, single submitter. Criteria: CeGaT Center For Human Genetics Tuebingen Variant Classification Criteria Version 2. Collection method: clinical testing. Allele origin: germline. Affected: yes. Observed: 1 variant allele.
Comment: TTN: PM2:Supporting, BP4, BP7